The following is an entry in ClinVar:

ClinVar aggregate classification (germline): Benign/Likely benign. Review status: criteria provided, multiple submitters, no conflicts (2 of 4 stars). 3 submissions from 3 submitters: Benign (1); Likely benign (2). Last evaluated 2018-11-12.

Conditions:
Permanent neonatal diabetes mellitus-pancreatic and cerebellar agenesis syndrome. Also called: PANCREATIC AND CEREBELLAR AGENESIS. Identifiers: Orphanet 65288, MedGen C1836780, MONDO:0012192, OMIM 609069.

Allele frequency attached by ClinVar (database versions not stated): gnomAD exomes 0.00416; 1000 Genomes Project 0.04093; gnomAD 0.04236 and 0.04559; 1000 Genomes Project 30x 0.04357; TOPMed 0.04818.
gnomAD v4.1: 8,163 of 553,974 alleles (1.5%); highest among the groups gnomAD compares: African/African-American, 14%; 532 homozygotes.

Submissions (3):

GeneDx
Classification: Benign. Last evaluated: 2018-11-12. Review status: criteria provided, single submitter. Criteria: GeneDx Variant Classification Process June 2021. Collection method: clinical testing. Allele origin: germline. Affected: yes.

Illumina Laboratory Services, Illumina
Classification: Likely benign for Permanent neonatal diabetes mellitus-pancreatic and cerebellar agenesis syndrome. Last evaluated: 2017-04-27. Review status: criteria provided, single submitter. Criteria: ICSL Variant Classification Criteria 13 December 2019. Collection method: clinical testing. Allele origin: germline.
Comment: This variant was observed as part of a predisposition screen in an ostensibly healthy population. A literature search was performed for the gene, cDNA change, and amino acid change (where applicable). No publications were found based on this search. Allele frequency data from public databases allowed determination this variant is unlikely to cause disease. Therefore, this variant is classified as likely benign.

Breakthrough Genomics
Classification: Likely benign. Review status: criteria provided, single submitter. Criteria: ACMG Guidelines, 2015. Collection method: not provided. Allele origin: germline. Inheritance: Autosomal recessive inheritance. Affected: yes.

NM_178161.3(PTF1A):c.*190C>T

Gene: PTF1A (pancreas associated transcription factor 1a; plus strand). Cytogenetic location: 10p12.2.
Variant type: single nucleotide variant.
Coding change: c.*190C>T on transcript NM_178161.3 (MANE Select); 190 bases downstream of the stop codon, C replaced by T.
Molecular consequence: 3 prime UTR variant.
Genome position (GRCh38, 1-based): chr10:23,194,096, C>T. VCF-style: chr10-23194096-C-T. GRCh37 (hg19) VCF-style: chr10-23483025-C-T.
Identifiers: ClinVar variation 299632 (VCV000299632.7), dbSNP rs74121767, ClinGen allele CA10635500.